The following is an entry in ClinVar:

ClinVar aggregate classification (germline): Likely benign. Review status: criteria provided, multiple submitters, no conflicts (2 of 4 stars). 5 submissions from 5 submitters: Likely benign (4). 1 of the submissions does not count toward it. Last evaluated 2025-10-23.

Conditions:
BRCA2-related disorder. Also called: BRCA2-related condition; BRCA2-related disorders. Identifiers: MedGen CN239275.
Hereditary cancer-predisposing syndrome. Also called: Hereditary neoplastic syndrome; Hereditary Cancer Syndrome; Neoplastic Syndromes, Hereditary; Tumor predisposition. Identifiers: Orphanet 140162, MedGen C0027672, MeSH D009386, MONDO:0015356.
Hereditary breast ovarian cancer syndrome. Also called: Hereditary breast and ovarian cancer syndrome (HBOC); Hereditary breast and ovarian cancer syndrome; Hereditary breast and ovarian cancer; BRCA1- and BRCA2-Associated Hereditary Breast and Ovarian Cancer; Breast and ovarian cancer; Hereditary breast and/or ovarian cancer syndrome. Identifiers: Orphanet 145, MedGen C0677776, MeSH D061325, MONDO:0003582. Disease mechanism: loss of function.

Allele frequency attached by ClinVar (database versions not stated): gnomAD exomes below 0.00001 and 0.00003; ExAC 0.00003; gnomAD 0.00005 and 0.00006; TOPMed 0.00007.
gnomAD v4.1: 12 of 1,613,842 alleles (0.00074%); highest among the groups gnomAD compares: African/African-American, 0.015%; no homozygotes.

Submissions (5):

Labcorp Genetics (formerly Invitae), Labcorp
Classification: Likely benign for Hereditary breast ovarian cancer syndrome. Last evaluated: 2025-10-23. Review status: criteria provided, single submitter. Criteria: Invitae Variant Classification Sherloc (09022015). Collection method: clinical testing. Allele origin: germline.

Women's Health and Genetics/Laboratory Corporation of America, LabCorp
Classification: Likely benign. Last evaluated: 2023-05-22. Review status: criteria provided, single submitter. Criteria: LabCorp Variant Classification Summary - May 2015. Collection method: clinical testing. Allele origin: germline.
Comment: Variant summary: BRCA2 c.9502-17T>C alters a non-conserved nucleotide located close to a canonical splice site and therefore could affect mRNA splicing, leading to a significantly altered protein sequence. 4/4 computational tools predict no significant impact on normal splicing. However, these predictions have yet to be confirmed by functional studies. The variant allele was found at a frequency of 2.8e-05 in 251002 control chromosomes. The available data on variant occurrences in the general population are insufficient to allow any conclusion about variant significance. c.9502-17T>C has been reported in the literature in individuals affected with Hereditary Breast And Ovarian Cancer Syndrome (Syamala_2007) without strong evidence for causality. This report does not provide unequivocal conclusions about association of the variant with Hereditary Breast And Ovarian Cancer Syndrome. Co-occurrences with other pathogenic variant(s) have been reported (BRCA2 c.8414_8416delinsC, p.Leu2805fsX6), providing supporting evidence for a benign role. To our knowledge, no experimental evidence demonstrating an impact on protein function has been reported. The following publication have been ascertained in the context of this evaluation (PMID: 17503080). Three clinical diagnostic laboratories have submitted clinical-significance assessments for this variant to ClinVar after 2014 and all laboratories classified the variant as likely benign. Based on the evidence outlined above, the variant was classified as likely benign.

Color Diagnostics, LLC DBA Color Health
Classification: Likely benign for Hereditary cancer-predisposing syndrome. Last evaluated: 2017-09-24. Review status: criteria provided, single submitter. Criteria: ACMG Guidelines, 2015. Collection method: clinical testing. Allele origin: germline.

GeneDx
Classification: Likely benign. Last evaluated: 2017-08-25. Review status: criteria provided, single submitter. Criteria: GeneDx Variant Classification (06012015). Collection method: clinical testing. Allele origin: germline. Affected: yes.
Comment: This variant is considered likely benign or benign based on one or more of the following criteria: it is a conservative change, it occurs at a poorly conserved position in the protein, it is predicted to be benign by multiple in silico algorithms, and/or has population frequency not consistent with disease.

PreventionGenetics, part of Exact Sciences
Classification: Likely benign for BRCA2-related condition. Last evaluated: 2019-06-17. Review status: no assertion criteria provided. Collection method: clinical testing. Allele origin: germline. Not counted in ClinVar's aggregate classification.
Comment: This variant is classified as likely benign based on ACMG/AMP sequence variant interpretation guidelines (Richards et al. 2015 PMID: 25741868, with internal and published modifications).

Literature cited by the submitters: PubMed 17503080 (cited by Women's Health and Genetics/Laboratory Corporation of America, LabCorp).

NM_000059.4(BRCA2):c.9502-17T>C

Gene: BRCA2 (BRCA2 DNA repair associated; plus strand). Cytogenetic location: 13q13.1.
Variant type: single nucleotide variant.
Coding change: c.9502-17T>C on transcript NM_000059.4 (MANE Select); 17 bases into the intron before coding-DNA position 9502, T replaced by C.
Molecular consequence: intron variant.
Genome position (GRCh38, 1-based): chr13:32,396,881, T>C. VCF-style: chr13-32396881-T-C. GRCh37 (hg19) VCF-style: chr13-32971018-T-C.
Identifiers: ClinVar variation 377584 (VCV000377584.16), dbSNP rs752544229, ClinGen allele CA6941408.
Genomic context (GRCh38, chr13:32,396,881, plus strand): 5'-TTTAAAGGAAATACTTTTGGAAACATAAATATGTGGGTTTGCAATTTATAAAGCAGCTTT[T>C]CCACTTATTTTCTTAGAATATTGACATACTTTGCAATGAAGCAGAAAACAAGCTTATGCA-3'